The following is an entry in ClinVar:

NM_005393.3(PLXNB3):c.1789_1791del (p.His597del)

Gene: PLXNB3 (plexin B3; plus strand). Cytogenetic location: Xq28.
Variant type: Deletion.
Coding change: c.1789_1791del on transcript NM_005393.3 (MANE Select); coding-DNA positions 1789 to 1791, 3 bases deleted (CAC; older notation c.1789_1791delCAC).
Protein change: p.His597del; deletes histidine 597.
Molecular consequence: inframe deletion.
Genome position (GRCh38, 1-based): chrX:153,770,340-153,770,342, CAC deleted; deleting any 3 consecutive bases within chrX:153,770,338-153,770,342 gives the same sequence; the c. name uses the placement nearest the transcript's 3' end. VCF-style (leftmost placement, unchanged base first): chrX-153770337-GACC-G. GRCh37 (hg19) VCF-style: chrX-153035792-GACC-G.
Other names: c.1858_1860del, p.His620del (NM_001163257.2); short protein forms H597del, H620del.
Identifiers: ClinVar variation 4279870 (VCV004279870.1).

ClinVar aggregate classification (germline): Uncertain significance (1 of 4 stars; one submission).

Submission:

Clinical Genomics Laboratory, Washington University in St. Louis
Classification: Uncertain significance. Last evaluated: 2025-07-27. Review status: criteria provided, single submitter. Criteria: ACMG Guidelines, 2015. Collection method: clinical testing. Allele origin: germline.
Comment: The PLXNB3 c.1789_1791del (p.His597del) variant, to our knowledge, has not been reported in the medical literature and is only observed in 2/1,208,460 alleles in the general population (gnomAD v.4.1.0), indicating it is not a common variant. This variant is predicted to cause a change in the length of the protein due to an in-frame deletion of a single amino acid in a non-repeat region without known function. However, this also occurs at the exon/intron boundary and it is uncertain the effect on RNA splicing. Due to limited information, the clinical significance of this variant is uncertain.